The following is an entry in ClinVar:

ClinVar aggregate classification (germline): Uncertain significance (1 of 4 stars; one submission).

gnomAD v4.1: 1 of 1,610,152 alleles (0.000062%); no homozygotes.

Submission:

Labcorp Genetics (formerly Invitae), Labcorp
Classification: Uncertain significance. Last evaluated: 2022-03-02. Review status: criteria provided, single submitter. Criteria: Invitae Variant Classification Sherloc (09022015). Collection method: clinical testing. Allele origin: germline.
Comment: In summary, the available evidence is currently insufficient to determine the role of this variant in disease. Therefore, it has been classified as a Variant of Uncertain Significance. Algorithms developed to predict the effect of missense changes on protein structure and function are either unavailable or do not agree on the potential impact of this missense change (SIFT: "Deleterious"; PolyPhen-2: "Probably Damaging"; Align-GVGD: "Class C15"). This variant has not been reported in the literature in individuals affected with DNAAF4-related conditions. This variant is present in population databases (no rsID available, gnomAD 0.0009%). This sequence change replaces leucine, which is neutral and non-polar, with phenylalanine, which is neutral and non-polar, at codon 381 of the DNAAF4 protein (p.Leu381Phe).

NM_130810.4(DNAAF4):c.1143G>T (p.Leu381Phe)

Genes: DNAAF4 (dynein axonemal assembly factor 4; minus strand), DNAAF4-CCPG1 (DNAAF4-CCPG1 readthrough (NMD candidate); minus strand). Cytogenetic location: 15q21.3.
Variant type: single nucleotide variant.
Coding change: c.1143G>T on transcript NM_130810.4 (MANE Select); coding-DNA position 1143, G replaced by T.
Protein change: p.Leu381Phe; replaces leucine 381 with phenylalanine.
Molecular consequence: missense variant. On other transcripts: non-coding transcript variant (1), intron variant (2).
Genome position (GRCh38, 1-based): chr15:55,432,507, C>A on the plus strand (G>T on the coding strand, the complement: DNAAF4 is on the minus strand). VCF-style: chr15-55432507-C-A. GRCh37 (hg19) VCF-style: chr15-55724705-C-A.
Other names: c.1047+2398G>T (NM_001033560.2); c.1048-1728G>T (NM_001033559.3); short protein forms L381F.
Identifiers: ClinVar variation 1377582 (VCV001377582.6), dbSNP rs756260886, ClinGen allele CA392547323.